The following is an entry in ClinVar:

NM_001267550.2(TTN):c.97426G>A (p.Ala32476Thr)

Genes: TTN-AS1 (TTN antisense RNA 1; plus strand), TTN (titin; minus strand). Cytogenetic location: 2q31.2.
Variant type: single nucleotide variant.
Coding change: c.97426G>A on transcript NM_001267550.2 (MANE Select); coding-DNA position 97426, G replaced by A.
Protein change: p.Ala32476Thr; replaces alanine 32476 with threonine.
Molecular consequence: missense variant. On other transcripts: non-coding transcript variant (1).
Genome position (GRCh38, 1-based): chr2:178,542,330, C>T on the plus strand (G>A on the coding strand, the complement: TTN is on the minus strand). VCF-style: chr2-178542330-C-T. GRCh37 (hg19) VCF-style: chr2-179407057-C-T.
Other names: c.92503G>A, p.Ala30835Thr (NM_001256850.1); c.70231G>A, p.Ala23411Thr (NM_003319.4); c.89722G>A, p.Ala29908Thr (NM_133378.4); c.70606G>A, p.Ala23536Thr (NM_133432.3); c.70807G>A, p.Ala23603Thr (NM_133437.4); c.97426G>A (NM_001267550.1); short protein forms A32476T, A30835T, A23411T, A29908T, A23536T, A23603T.
Identifiers: ClinVar variation 467694 (VCV000467694.4), dbSNP rs760169773, ClinGen allele CA1986560.
Genomic context (GRCh38, chr2:178,542,330, plus strand): 5'-TGCTGCGACACTCTATGACCTCAGACTGCAAGTAAGAGCCAATCCCGAAGCGGTTTGTTG[C>T]AGCCACACGGAACACATACTCATTTCCTTCGGTGAGTCTGGTAAACTTAAACGTGGACCT-3'
Protein context (NP_001254479.2, residues 32466-32486): EGNEYVFRVA[Ala32476Thr]TNRFGIGSYL

ClinVar aggregate classification (germline): Uncertain significance. Review status: criteria provided, multiple submitters, no conflicts (2 of 4 stars). 2 submissions from 2 submitters: Uncertain significance (2). Last evaluated 2025-01-29.

Conditions:
Autosomal recessive limb-girdle muscular dystrophy type 2J (LGMDR10). Also called: Limb-girdle muscular dystrophy, type 2J; MUSCULAR DYSTROPHY, LIMB-GIRDLE, AUTOSOMAL RECESSIVE 10. Identifiers: Orphanet 140922, MedGen C1837342, MONDO:0012127, OMIM 608807.
Dilated cardiomyopathy 1G (CMD1G). Identifiers: Orphanet 154, MedGen C1858763, MONDO:0011400, OMIM 604145.

Allele frequency attached by ClinVar (database versions not stated): ExAC 0.00001; gnomAD 0.00001; gnomAD exomes 0.00001; TOPMed 0.00001.
gnomAD v4.1: 21 of 1,613,034 alleles (0.0013%); highest among the groups gnomAD compares: Non-Finnish European, 0.0015%; no homozygotes.

Submissions (2):

GeneDx
Classification: Uncertain significance. Last evaluated: 2025-01-29. Review status: criteria provided, single submitter. Criteria: GeneDx Variant Classification Process June 2021. Collection method: clinical testing. Allele origin: germline. Affected: yes.
Comment: Not observed at significant frequency in large population cohorts (gnomAD); Missense variant in a gene in which most reported pathogenic variants are truncating/loss of function; Has not been previously published as pathogenic or benign to our knowledge

Labcorp Genetics (formerly Invitae), Labcorp
Classification: Uncertain significance for Dilated cardiomyopathy 1G; Autosomal recessive limb-girdle muscular dystrophy type 2J. Last evaluated: 2017-03-16. Review status: criteria provided, single submitter. Criteria: Invitae Variant Classification Sherloc (09022015). Collection method: clinical testing. Allele origin: germline.